The following is an entry in ClinVar:

NM_000295.5(SERPINA1):c.211A>C (p.Ser71Arg)

Gene: SERPINA1 (serpin family A member 1; minus strand). Cytogenetic location: 14q32.13.
Variant type: single nucleotide variant.
Coding change: c.211A>C on transcript NM_000295.5 (MANE Select); coding-DNA position 211, A replaced by C.
Protein change: p.Ser71Arg; replaces serine 71 with arginine.
Molecular consequence: missense variant.
Genome position (GRCh38, 1-based): chr14:94,383,027, T>G on the plus strand (A>C on the coding strand, the complement: SERPINA1 is on the minus strand). VCF-style: chr14-94383027-T-G. GRCh37 (hg19) VCF-style: chr14-94849364-T-G.
Other names: c.211A>C, p.Ser71Arg (NM_001002236.3, NM_001127700.2, NM_001127701.2 and 7 more transcripts); short protein forms S71R.
Identifiers: ClinVar variation 315029 (VCV000315029.19), dbSNP rs11575873, ClinGen allele CA7327525.
Genomic context (GRCh38, chr14:94,383,027, plus strand): 5'-CCAGGGAGAGCATTGCAAAGGCTGTAGCGATGCTCACTGGGGAGAAGAAGATATTGGTGC[T>G]GTTGGACTGGTGTGCCAGCTGGCGGTATAGGCTGAAGGCGAACTCAGCCAGGTTGGGGGT-3'
Protein context (NP_000286.3, residues 61-81): LYRQLAHQSN[Ser71Arg]TNIFFSPVSI

ClinVar aggregate classification (germline): Conflicting classifications of pathogenicity. Review status: criteria provided, conflicting classifications (1 of 4 stars). 4 submissions from 4 submitters: Uncertain significance (2); Likely benign (1). 1 of the submissions does not count toward it. Last evaluated 2025-10-27.

Conditions:
Alpha-1-antitrypsin deficiency (A1ATD). Also called: Alpha1-Antitrypsin Deficiency; AAT deficiency; A1AT deficiency. Identifiers: Orphanet 60, MedGen C0221757, MONDO:0013282, OMIM 613490.
SERPINA1-related disorder. Also called: SERPINA1-related condition; SerpinA1-related disorders.

Allele frequency attached by ClinVar (database versions not stated): gnomAD 0.00004; TOPMed 0.00013; ExAC 0.00020; gnomAD exomes 0.00020.
gnomAD v4.1: 147 of 1,612,358 alleles (0.0091%); highest among the groups gnomAD compares: Middle Eastern, 0.26%; no homozygotes.

Submissions (4):

Labcorp Genetics (formerly Invitae), Labcorp
Classification: Likely benign for Alpha-1-antitrypsin deficiency. Last evaluated: 2025-10-27. Review status: criteria provided, single submitter. Criteria: Invitae Variant Classification Sherloc (09022015). Collection method: clinical testing. Allele origin: germline.

Eurofins Ntd Llc (ga)
Classification: Uncertain significance. Last evaluated: 2018-08-08. Review status: criteria provided, single submitter. Criteria: EGL ClinVar v180209 classification definitions. Collection method: clinical testing. Allele origin: germline. Observed: 2 variant alleles, 2 heterozygotes.

Illumina Laboratory Services, Illumina
Classification: Uncertain significance for Alpha-1-antitrypsin deficiency. Last evaluated: 2018-01-13. Review status: criteria provided, single submitter. Criteria: ICSL Variant Classification Criteria 13 December 2019. Collection method: clinical testing. Allele origin: germline.

PreventionGenetics, part of Exact Sciences
Classification: Uncertain significance for SERPINA1-related condition. Last evaluated: 2024-04-08. Review status: no assertion criteria provided. Collection method: clinical testing. Allele origin: germline. Not counted in ClinVar's aggregate classification.
Comment: The SERPINA1 c.211A>C variant is predicted to result in the amino acid substitution p.Ser71Arg. This variant was reported as likely benign in an individual with Cholestasis and HCV Cirrhosis (Renoux et al. 2018. PubMed ID: 30223862). This variant is reported in 0.059% of alleles in individuals of Latino descent in gnomAD. Although we suspect that this variant may be benign, at this time, the clinical significance of this variant is uncertain due to the absence of conclusive functional and genetic evidence.